The following is an entry in ClinVar:

NM_004218.4(RAB11B):c.512-8C>T

Gene: RAB11B (RAB11B, member RAS oncogene family; plus strand). Cytogenetic location: 19p13.2.
Variant type: single nucleotide variant.
Coding change: c.512-8C>T on transcript NM_004218.4 (MANE Select); 8 bases into the intron before coding-DNA position 512, C replaced by T.
Molecular consequence: intron variant.
Genome position (GRCh38, 1-based): chr19:8,403,405, C>T. VCF-style: chr19-8403405-C-T. GRCh37 (hg19) VCF-style: chr19-8468289-C-T.
Other names: c.512-8C>T (NM_004218.3).
Identifiers: ClinVar variation 1536581 (VCV001536581.10), dbSNP rs764322641, ClinGen allele CA9156412.
Genomic context (GRCh38, chr19:8,403,405, plus strand): 5'-GAGGGGTTCCCCTCGGCAGGCAGGGCACGTGCTGGCTCACCCCACGTCCCCCTGTACCCC[C>T]TTTGCAGAGATCTACCGCATCGTGTCACAGAAACAGATCGCAGACCGCGCTGCCCACGAC-3'

ClinVar aggregate classification (germline): Benign. Review status: criteria provided, single submitter (1 of 4 stars). 2 submissions from 2 submitters: Benign (1). 1 of the submissions does not count toward it. Last evaluated 2025-10-13.

Conditions:
RAB11B-related disorder. Also called: RAB11B-related condition.

Allele frequency attached by ClinVar (database versions not stated): TOPMed 0.00005; gnomAD 0.00006 and 0.00007; gnomAD exomes 0.00006 and 0.00013; ExAC 0.00010.
gnomAD v4.1: 114 of 1,610,908 alleles (0.0071%); highest among the groups gnomAD compares: East Asian, 0.21%; 1 homozygote.

Submissions (2):

Labcorp Genetics (formerly Invitae), Labcorp
Classification: Benign. Last evaluated: 2025-10-13. Review status: criteria provided, single submitter. Criteria: Invitae Variant Classification Sherloc (09022015). Collection method: clinical testing. Allele origin: germline.

PreventionGenetics, part of Exact Sciences
Classification: Likely benign for RAB11B-related condition. Last evaluated: 2019-04-16. Review status: no assertion criteria provided. Collection method: clinical testing. Allele origin: germline. Not counted in ClinVar's aggregate classification.
Comment: This variant is classified as likely benign based on ACMG/AMP sequence variant interpretation guidelines (Richards et al. 2015 PMID: 25741868, with internal and published modifications).